The following is an entry in ClinVar:

ClinVar aggregate classification (germline): Uncertain significance (1 of 4 stars; one submission).

Allele frequency attached by ClinVar (database versions not stated): ExAC 0.00001.

Submission:

Labcorp Genetics (formerly Invitae), Labcorp
Classification: Uncertain significance. Last evaluated: 2024-10-21. Review status: criteria provided, single submitter. Criteria: Invitae Variant Classification Sherloc (09022015). Collection method: clinical testing. Allele origin: germline.
Comment: This sequence change affects codon 144 of the TNFSF11 mRNA. It is a 'silent' change, meaning that it does not change the encoded amino acid sequence of the TNFSF11 protein. It affects a nucleotide within the consensus splice site. This variant is present in population databases (rs761441027, gnomAD 0.0009%). This variant has not been reported in the literature in individuals affected with TNFSF11-related conditions. ClinVar contains an entry for this variant (Variation ID: 2087750). Algorithms developed to predict the effect of sequence changes on RNA splicing suggest that this variant is not likely to affect RNA splicing. In summary, the available evidence is currently insufficient to determine the role of this variant in disease. Therefore, it has been classified as a Variant of Uncertain Significance.

NM_003701.4(TNFSF11):c.432A>G (p.Lys144=)

Genes: TNFSF11 (TNF superfamily member 11; plus strand), LOC126861753 (P300/CBP strongly-dependent group 1 enhancer GRCh37_chr13:43174688-43175887; plus strand). Cytogenetic location: 13q14.11.
Variant type: single nucleotide variant.
Coding change: c.432A>G on transcript NM_003701.4 (MANE Select); coding-DNA position 432, A replaced by G.
Protein change: p.Lys144=; no amino-acid change (lysine 144 retained).
Molecular consequence: synonymous variant.
Genome position (GRCh38, 1-based): chr13:42,600,796, A>G. VCF-style: chr13-42600796-A-G. GRCh37 (hg19) VCF-style: chr13-43174932-A-G.
Other names: c.213A>G, p.Lys71= (NM_033012.4).
Identifiers: ClinVar variation 2087750 (VCV002087750.4), dbSNP rs761441027, ClinGen allele CA6967215.